The following is an entry in ClinVar:

NM_000550.3(TYRP1):c.1166del (p.Gly389fs)

Genes: LURAP1L-AS1 (LURAP1L antisense RNA 1; minus strand), TYRP1 (tyrosinase related protein 1; plus strand). Cytogenetic location: 9p23.
Variant type: Deletion.
Coding change: c.1166del on transcript NM_000550.3 (MANE Select); coding-DNA position 1166, one base deleted (G; older notation c.1166delG).
Protein change: p.Gly389fs; shifts the reading frame from glycine 389.
Molecular consequence: frameshift variant.
Genome position (GRCh38, 1-based): chr9:12,704,610, G deleted; the last of 5 consecutive G bases (chr9:12,704,606-12,704,610); deleting any one gives the same sequence. VCF-style (leftmost placement, unchanged base first): chr9-12704605-AG-A. GRCh37 (hg19) VCF-style: chr9-12704605-AG-A.
Other names: short protein forms G389fs.
Identifiers: ClinVar variation 2831052 (VCV002831052.3), dbSNP rs749509242, ClinGen allele CA4985465.
Genomic context (GRCh38, chr9:12,704,605, plus strand): 5'-AAAGTATGACCCTGCTGTTCGAAGTCTTCACAATTTGGCTCATCTATTCCTGAATGGAAC[AG>A]GGGGACAAACCCATTTGTCTCCAAATGATCCTATTTTTGTCCTCCTGCACACCTTCACAG-3'

ClinVar aggregate classification (germline): Pathogenic (1 of 4 stars; one submission).

Submission:

Labcorp Genetics (formerly Invitae), Labcorp
Classification: Pathogenic. Last evaluated: 2025-10-29. Review status: criteria provided, single submitter. Criteria: Invitae Variant Classification Sherloc (09022015). Collection method: clinical testing. Allele origin: germline.
Comment: This sequence change creates a premature translational stop signal (p.Gly389Aspfs*27) in the TYRP1 gene. It is expected to result in an absent or disrupted protein product. Loss-of-function variants in TYRP1 are known to be pathogenic (PMID: 8651291, 9345097). This variant is present in population databases (rs749509242, gnomAD 0.0009%). This variant has not been reported in the literature in individuals affected with TYRP1-related conditions. ClinVar contains an entry for this variant (Variation ID: 2831052). For these reasons, this variant has been classified as Pathogenic.

Literature cited by the submitters: PubMed 8651291; PubMed 9345097.